The following is an entry in ClinVar:

NM_000302.4(PLOD1):c.1887C>T (p.Pro629=)

Gene: PLOD1 (procollagen-lysine,2-oxoglutarate 5-dioxygenase 1; plus strand). Cytogenetic location: 1p36.22.
Variant type: single nucleotide variant.
Coding change: c.1887C>T on transcript NM_000302.4 (MANE Select); coding-DNA position 1887, C replaced by T.
Protein change: p.Pro629=; no amino-acid change (proline 629 retained).
Molecular consequence: synonymous variant.
Genome position (GRCh38, 1-based): chr1:11,970,801, C>T. VCF-style: chr1-11970801-C-T. GRCh37 (hg19) VCF-style: chr1-12030858-C-T.
Other names: c.2028C>T, p.Pro676= (NM_001316320.2); c.1887C>T (NM_000302.3).
Identifiers: ClinVar variation 1124925 (VCV001124925.34), dbSNP rs1359830439, ClinGen allele CA416108134.
Genomic context (GRCh38, chr1:11,970,801, plus strand): 5'-GCGGGAGTGGCACAAATTCCTGCTGGAGTACATTGCGCCCATGACGGAGAAGCTCTACCC[C>T]GGCTACTACACCAGGGTGGGCAAGCCTGGGGCATAGCCAGGATGCGGGGACAGTTGGGTG-3'
Protein context (NP_000293.2, residues 619-639): YIAPMTEKLY[Pro629=]GYYTRAQFDL

ClinVar aggregate classification (germline): Likely benign. Review status: criteria provided, multiple submitters, no conflicts (2 of 4 stars). 3 submissions from 3 submitters: Likely benign (3). Last evaluated 2025-12-29.

Conditions:
Familial thoracic aortic aneurysm and aortic dissection (TAAD). Also called: Thoracic aortic aneurysms and dissections. Identifiers: Orphanet 91387, MedGen C4707243, MONDO:0019625.
Ehlers-Danlos syndrome, kyphoscoliotic type 1 (EDSKSCL1). Also called: EHLERS-DANLOS SYNDROME, OCULAR-SCOLIOTIC TYPE; EHLERS-DANLOS SYNDROME, TYPE VIA; PLOD1-Related Kyphoscoliotic Ehlers-Danlos Syndrome; Ehlers-Danlos syndrome, hydroxylysine-deficient. Identifiers: Orphanet 1900, MedGen C0268342, MONDO:0016002, OMIM 225400. Disease mechanism: loss of function.

Allele frequency attached by ClinVar (database versions not stated): gnomAD 0.00001; gnomAD exomes 0.00001; TOPMed 0.00001.
gnomAD v4.1: 20 of 1,603,970 alleles (0.0012%); highest among the groups gnomAD compares: Middle Eastern, 0.016%; no homozygotes.

Submissions (3):

Labcorp Genetics (formerly Invitae), Labcorp
Classification: Likely benign for Ehlers-Danlos syndrome, kyphoscoliotic type 1. Last evaluated: 2025-12-29. Review status: criteria provided, single submitter. Criteria: Invitae Variant Classification Sherloc (09022015). Collection method: clinical testing. Allele origin: germline.

CeGaT Center for Human Genetics Tuebingen
Classification: Likely benign. Last evaluated: 2023-08-01. Review status: criteria provided, single submitter. Criteria: CeGaT Center For Human Genetics Tuebingen Variant Classification Criteria Version 2. Collection method: clinical testing. Allele origin: germline. Affected: yes. Observed: 1 variant allele.
Comment: PLOD1: BP4, BP7

Ambry Genetics
Classification: Likely benign for Familial thoracic aortic aneurysm and aortic dissection. Last evaluated: 2023-05-06. Review status: criteria provided, single submitter. Criteria: Ambry Variant Classification Scheme 2023. Collection method: clinical testing. Allele origin: germline.